The following is an entry in ClinVar:

ClinVar aggregate classification (germline): Conflicting classifications of pathogenicity. Review status: criteria provided, conflicting classifications (1 of 4 stars). 13 submissions from 13 submitters: Pathogenic (9); Likely pathogenic (2); Uncertain significance (1). 1 of the submissions does not count toward it. Last evaluated 2026-01-26.

Conditions:
Arthrogryposis multiplex congenita 6. Identifiers: MedGen C5543431, MONDO:0030281, OMIM 619334.
Nemaline myopathy 2 (NEM2). Also called: Nemaline myopathy 2, autosomal recessive. Identifiers: MedGen C1850569, MONDO:0009725, OMIM 256030.
Nemaline myopathy. Also called: Myopathies, Nemaline. Identifiers: Orphanet 607, MedGen C0206157, MONDO:0018958.
NEB-related disorder. Also called: NEB-Related Disorders; NEB-related condition.

Allele frequency attached by ClinVar (database versions not stated): gnomAD 0.00004 and 0.00008; gnomAD exomes 0.00007 and 0.00019; ExAC 0.00013; TOPMed 0.00013; 1000 Genomes Project 0.00040; 1000 Genomes Project 30x 0.00047.
gnomAD v4.1: 107 of 1,542,174 alleles (0.0069%); highest among the groups gnomAD compares: East Asian, 0.19%; 1 homozygote.

Submissions (13):

Labcorp Genetics (formerly Invitae), Labcorp
Classification: Pathogenic for Nemaline myopathy 2. Last evaluated: 2026-01-26. Review status: criteria provided, single submitter. Criteria: Invitae Variant Classification Sherloc (09022015). Collection method: clinical testing. Allele origin: germline.
Comment: This sequence change falls in intron 144 of the NEB gene. It does not directly change the encoded amino acid sequence of the NEB protein. RNA analysis indicates that this variant induces altered splicing and likely results in a shortened protein product. This variant is present in population databases (rs148950085, gnomAD 0.2%). This variant has been observed in individual(s) with nemaline myopathy (PMID: 31696431, 32222963). In at least one individual the data is consistent with being in trans (on the opposite chromosome) from a pathogenic variant. This variant is also known as c.21417+3A>G. ClinVar contains an entry for this variant (Variation ID: 430110). Variants that disrupt the consensus splice site are a relatively common cause of aberrant splicing (PMID: 17576681, 9536098). Studies have shown that this variant results in skipping of exon 144, but is expected to preserve the integrity of the reading-frame (PMID: 32222963). For these reasons, this variant has been classified as Pathogenic.

Natera, Inc.
Classification: Pathogenic for Nemaline myopathy type 2. Last evaluated: 2025-10-13. Review status: criteria provided, single submitter. Criteria: Natera Variant Classification Schema (03/2026). Collection method: clinical testing. Allele origin: germline.
Comment: The c.21522+3A>G variant in NEB is an intronic variant located outside the canonical splice sites. This variant is rare in the general population with a frequency below the threshold expected for the associated phenotype(s). This variant has been observed in one or more individuals affected with the associated recessive disease, as either homozygous or compound heterozygous with a second variant (PMID: 32222963). Functional studies show that this variant may disrupt protein function (PMID: 32222963). Computational prediction algorithms indicate this variant is likely to affect gene or protein function. Given the available evidence, this variant is classified as Pathogenic.

First Genomix Gene Laboratory, Genetic Diagnostics Department
Classification: Pathogenic for Arthrogryposis multiplex congenita 6; Nemaline myopathy 2. Last evaluated: 2025-08-01. Review status: criteria provided, single submitter. Criteria: ACMG Guidelines, 2015. Collection method: clinical testing. Allele origin: germline. Inheritance: Autosomal recessive inheritance. Affected: no. Observed: 1 variant allele.

Women's Health and Genetics/Laboratory Corporation of America, LabCorp
Classification: Pathogenic for Nemaline myopathy. Last evaluated: 2025-04-10. Review status: criteria provided, single submitter. Criteria: LabCorp Variant Classification Summary - May 2015. Collection method: clinical testing. Allele origin: germline.
Comment: Variant summary: NEB c.21522+3A>G alters a conserved nucleotide located close to a canonical splice site and therefore could affect mRNA splicing, leading to a significantly altered protein sequence. Several computational tools predict a significant impact on normal splicing: Two predict the variant weakens a 5' donor site. One predicts the variant abolishes a 5' splicing donor site. One predicts the variant has no significant impact on splicing. At least one publication reports experimental evidence that this variant affects mRNA splicing by resulting in exon skipping (Wang_2020). The variant allele was found at a frequency of 0.00019 in 157544 control chromosomes. This frequency is not significantly higher than estimated for a pathogenic variant in NEB causing Nemaline Myopathy 2 (0.00019 vs 0.0035), allowing no conclusion about variant significance. c.21522+3A>G has been reported in the literature in multiple individuals affected with Nemaline Myopathy 2, especially in populations of East Asian descent (e.g., Lee_2017, Marchant_2024, Thuriot_2020, Wang_2020, Wen_2020, Yin_2022). The following publications have been ascertained in the context of this evaluation (PMID: 29246625, 38544359, 32337335, 32222963, 31696431, 33742414). ClinVar contains an entry for this variant (Variation ID: 430110). Based on the evidence outlined above, the variant was classified as pathogenic.

Blueprint Genetics
Classification: Uncertain significance. Last evaluated: 2024-09-05. Review status: criteria provided, single submitter. Criteria: ACMG Guidelines, 2015. Collection method: clinical testing. Allele origin: germline.

GeneDx
Classification: Pathogenic. Last evaluated: 2024-08-01. Review status: criteria provided, single submitter. Criteria: GeneDx Variant Classification Process June 2021. Collection method: clinical testing. Allele origin: germline. Affected: yes.
Comment: Observed multiple times with a second NEB variant in unrelated patients in the published literature with myopathy, but it is not known whether the variants occurred on the same (in cis) or on different (in trans) chromosomes (PMID: 33742414; Lee et al., (2020) Abstracts/Neuromuscular Disorders 30 S46-S150); In silico analysis supports a deleterious effect on splicing; RNA studies demonstrate a damaging effect: skipping of exon 143 which is in-frame (PMID: 32222963); Deletions involving coding exons of this gene are a known mechanism of disease (HGMD; other references); This variant is associated with the following publications: (PMID: 30990797, 31696431, 33742414, 27535533, 35821219, 38585796, 32222963, 37525074)

Baylor Genetics
Classification: Pathogenic for Arthrogryposis multiplex congenita 6. Last evaluated: 2024-03-28. Review status: criteria provided, single submitter. Criteria: ACMG Guidelines, 2015. Collection method: clinical testing. Allele origin: unknown.

Fulgent Genetics
Classification: Pathogenic for Nemaline myopathy 2; Arthrogryposis multiplex congenita 6. Last evaluated: 2024-03-23. Review status: criteria provided, single submitter. Criteria: ACMG Guidelines, 2015. Collection method: clinical testing. Allele origin: germline.

Revvity Omics, Revvity
Classification: Likely pathogenic. Last evaluated: 2024-03-08. Review status: criteria provided, single submitter. Criteria: ACMG Guidelines, 2015. Collection method: clinical testing. Allele origin: germline.

Broad Center for Mendelian Genomics, Broad Institute of MIT and Harvard
Classification: Pathogenic for Nemaline myopathy 2. Last evaluated: 2023-05-02. Review status: criteria provided, single submitter. Criteria: ACMG Guidelines, 2015. Collection method: curation. Allele origin: germline. Inheritance: Autosomal recessive inheritance.
Comment: The heterozygous c.21522+3A>G variant in NEB was identified by our study, in the compound heterozygous state with a likely pathogenic variant (NC_000002.12:g.151692086G>T), in two affected siblings with nemaline myopathy 2. Familial exome analysis confirmed that this variant was in trans with a likely pathogenic variant (NC_000002.12:g.151692086G>T). The c.21522+3A>G variant in NEB has been reported in 26 affected individuals (PMID: 32222963, PMID: 29246625, PMID: 33742414, PMID: 31696431, PMID: 30990797), but has been identified in 0.2% (28/12460) of East Asian chromosomes by the Genome Aggregation Database (gnomAD; dbSNP ID: rs148950085). Although this variant has been seen in the general population in a heterozygous state, its frequency is not high enough to rule out a pathogenic role. This variant has also been reported in ClinVar (Variation ID: 430110) and has conflicting interpretations of pathogenicity. Of the 26 affected individuals previously reported, one was a homozygote (PMID: 29246625) and six were compound heterozygotes who carried pathogenic or likely pathogenic variants in trans (PMID: 31696431, PMID: 32222963, ClinVar Variation ID: 632921, ClinVar Variation ID: 575054), which increases the likelihood that the c.21522+3A>G variant is pathogenic. RT-PCR analysis performed on affected tissue shows exon skipping of exon 143 (PMID: 32222963). This variant is located in the 5' splice region. Computational tools do suggest an impact to splicing. However, this information is not predictive enough to determine pathogenicity. In summary, this variant meets criteria to be classified as pathogenic for autosomal recessive nemaline myopathy 2. ACMG/AMP Criteria applied: PS3_Moderate, PM3_Very Strong (Richards 2015).

Juno Genomics, Hangzhou Juno Genomics, Inc
Classification: Pathogenic for Nemaline myopathy 2. Review status: criteria provided, single submitter. Criteria: ACMG Guidelines, 2015. Collection method: clinical testing. Allele origin: germline.
Comment: Null variant in a gene where loss of function (LOF) is a known mechanism of disease.;For recessive disorders, detected in trans with a pathogenic variant.;Patient's phenotype or family history is highly specific for a disease with a single genetic etiology.

Neuberg Centre For Genomic Medicine, NCGM
Classification: Likely pathogenic for Nemaline myopathy 2. Review status: criteria provided, single submitter. Criteria: ACMG Guidelines, 2015. Collection method: clinical testing. Allele origin: germline. Inheritance: Autosomal recessive inheritance. Affected: yes.
Comment: The splice region, intron variant c.21522+3A>G in NEB gene has been reported previously in compound heterozygous state in individuals with nemaline myopathy Yin X, et al., 2022, Wen Q, et al., 2020. The variant is reported with 0.02% allele frequency in gnomAD Exomes and is novel not in any individuals in 1000 Genomes. This variant has been reported to the ClinVar database as Likely Benign/Uncertain Significance/Likely Pathogenic. However, functional studies are required to confirm its pathogenicity. The variant affects the position three nucleotides downstream of exon 144. The spliceAI tool predicts this splice site variant to be likely damaging. This variant is predicted to cause loss of normal protein function through protein truncation. Loss of function variants have been previously reported to be disease causing Lehtokari VL, et al., 2014. For these reasons, this variant has been classified as Likely Pathogenic.

PreventionGenetics, part of Exact Sciences
Classification: Pathogenic for NEB-related condition. Last evaluated: 2024-06-07. Review status: no assertion criteria provided. Collection method: clinical testing. Allele origin: germline. Not counted in ClinVar's aggregate classification.
Comment: The NEB c.21522+3A>G variant is predicted to interfere with splicing. This variant has been reported with a second NEB variant in many individuals with nemaline myopathy and has been described as a possible founder variant in East Asian populations (Wen et al. 2019. PubMed ID: 31696431; Yin et al. 2021. PubMed ID: 33742414; reported as c.21417+3A>G (NM_001164508) in Wang et al. 2020. PubMed ID: 32222963). This variant is reported in 0.22% of alleles in individuals of East Asian descent in gnomAD. RT-PCR studies suggest this variant impacts mRNA splicing, resulting in skipping of exon 144 of NM_001271208 (Wang et al. 2020. PubMed ID: 32222963). An additional study using RNA-seq analysis on muscle tissue confirms the c.21522+3A>G variant results in impaired splicing (Silverstein et al. 2024. PubMed ID: 38585796, peer review in progress). Another nucleotide change at the same position (c.21522+3A>C) has also been reported in an individual with nemaline myopathy and indicated to interfere with normal splicing (Cummings et al. 2017. PubMed ID: 28424332). This variant is interpreted as pathogenic.

Literature cited by the submitters: PubMed 31696431 (cited by Labcorp Genetics (formerly Invitae), Labcorp and Women's Health and Genetics/Laboratory Corporation of America, LabCorp); PubMed 32222963 (cited by 4 submitters); PubMed 17576681 (cited by Labcorp Genetics (formerly Invitae), Labcorp); PubMed 9536098 (cited by Labcorp Genetics (formerly Invitae), Labcorp); PubMed 29246625 (cited by Women's Health and Genetics/Laboratory Corporation of America, LabCorp); PubMed 32337335 (cited by Women's Health and Genetics/Laboratory Corporation of America, LabCorp); PubMed 33742414 (cited by Women's Health and Genetics/Laboratory Corporation of America, LabCorp); PubMed 38544359 (cited by Women's Health and Genetics/Laboratory Corporation of America, LabCorp).

NM_001164508.2(NEB):c.21417+3A>G

Genes: RIF1 (replication timing regulatory factor 1; plus strand), NEB (nebulin; minus strand). Cytogenetic location: 2q23.3.
Variant type: single nucleotide variant.
Coding change: c.21417+3A>G on transcript NM_001164508.2 (MANE Select); 3 bases into the intron after coding-DNA position 21417, A replaced by G.
Molecular consequence: intron variant.
Genome position (GRCh38, 1-based): chr2:151,533,439, T>C on the plus strand (A>G on the coding strand, the complement: NEB is on the minus strand). VCF-style: chr2-151533439-T-C. GRCh37 (hg19) VCF-style: chr2-152389953-T-C.
Other names: c.16314+776A>G (NM_004543.5); c.21417+776A>G (NM_001164507.2); c.21522+3A>G (NM_001271208.2).
Identifiers: ClinVar variation 430110 (VCV000430110.39), dbSNP rs148950085, ClinGen allele CA1906977.